The following is an entry in ClinVar:

ClinVar aggregate classification (germline): Pathogenic. Review status: reviewed by expert panel (3 of 4 stars). 16 submissions from 16 submitters: Pathogenic (1). 15 of the submissions do not count toward it. Last evaluated 2016-09-08.

Conditions:
Hereditary cancer-predisposing syndrome. Also called: Tumor predisposition; Neoplastic Syndromes, Hereditary; Hereditary Cancer Syndrome; Hereditary neoplastic syndrome. Identifiers: Orphanet 140162, MedGen C0027672, MeSH D009386, MONDO:0015356.
Hereditary breast ovarian cancer syndrome. Also called: Hereditary breast and ovarian cancer syndrome (HBOC); Hereditary breast and ovarian cancer syndrome; Hereditary breast and ovarian cancer; Hereditary breast and/or ovarian cancer syndrome; Breast and ovarian cancer; BRCA1- and BRCA2-Associated Hereditary Breast and Ovarian Cancer. Identifiers: Orphanet 145, MedGen C0677776, MeSH D061325, MONDO:0003582. Disease mechanism: loss of function.
Breast-ovarian cancer, familial, susceptibility to, 1 (BROVCA1). Also called: OVARIAN CANCER, SUSCEPTIBILITY TO; BRCA1 Hereditary Breast and Ovarian Cancer. Identifiers: Orphanet 145, MedGen C2676676, MONDO:0011450, OMIM 604370. Disease mechanism: loss of function.

Allele frequency attached by ClinVar (database versions not stated): gnomAD exomes below 0.00001.

Submissions 1 to 9 of 17:

Evidence-based Network for the Interpretation of Germline Mutant Alleles (ENIGMA)
Classification: Pathogenic for Breast-ovarian cancer, familial, susceptibility to, 1. Last evaluated: 2016-09-08. Review status: reviewed by expert panel. Criteria: ENIGMA BRCA1/2 Classification Criteria (2015). Collection method: curation. Allele origin: germline.
Comment: Variant allele predicted to encode a truncated non-functional protein.

Labcorp Genetics (formerly Invitae), Labcorp
Classification: Pathogenic for Hereditary breast ovarian cancer syndrome. Last evaluated: 2025-12-24. Review status: criteria provided, single submitter. Criteria: Invitae Variant Classification Sherloc (09022015). Collection method: clinical testing. Allele origin: germline. Not counted in ClinVar's aggregate classification.
Comment: This sequence change creates a premature translational stop signal (p.Lys1727*) in the BRCA1 gene. It is expected to result in an absent or disrupted protein product. Loss-of-function variants in BRCA1 are known to be pathogenic (PMID: 20104584). This variant is not present in population databases (gnomAD no frequency). This premature translational stop signal has been observed in individual(s) with hereditary breast cancer (PMID: 7493024, 16287141). It has also been observed to segregate with disease in related individuals. This variant is also known as 5298A>T. ClinVar contains an entry for this variant (Variation ID: 37645). For these reasons, this variant has been classified as Pathogenic.

Ambry Genetics
Classification: Pathogenic for Hereditary cancer-predisposing syndrome. Last evaluated: 2024-07-12. Review status: criteria provided, single submitter. Criteria: Ambry Variant Classification Scheme 2023. Collection method: clinical testing. Allele origin: germline. Not counted in ClinVar's aggregate classification.
Comment: The p.K1727* pathogenic mutation (also known as c.5179A>T), located in coding exon 17 of the BRCA1 gene, results from an A to T substitution at nucleotide position 5179. This changes the amino acid from a lysine to a stop codon within coding exon 17. This pathogenic mutation has been reported in multiple individuals or families with ovarian and/or breast cancer, as well as in one individual diagnosed with uterine cancer (Gayther SA et al. Nat. Genet., 1995 Dec;11:428-33; Spitzer E et al. Int. J. Cancer, 2000 Feb;85:474-81; Meindl A et al. Int J Cancer, 2002 Feb;97:472-80; Kroiss R et al. Hum Mutat, 2005 Dec;26:583-9; Walker LC et al. Eur J Hum Genet, 2017 04;25:432-438; Rebbeck TR et al. Hum Mutat, 2018 05;39:593-620; Yadav S et al. J Clin Oncol, 2020 05;38:1409-1418; Dorling et al. N Engl J Med. 2021 02;384:428-439). One functional study found that this nucleotide substitution is non-functional in a high-throughput, genome editing, haploid cell survival assay (Findlay GM et al. Nature, 2018 10;562:217-222). Of note, this alteration is also designated as 5298A>T in published literature. This variant is considered to be rare based on population cohorts in the Genome Aggregation Database (gnomAD). In addition to the clinical data presented in the literature, this alteration is expected to result in loss of function by premature protein truncation or nonsense-mediated mRNA decay. As such, this alteration is interpreted as a disease-causing mutation.

All of Us Research Program, National Institutes of Health
Classification: Pathogenic for Breast-ovarian cancer, familial, susceptibility to, 1. Last evaluated: 2024-01-06. Review status: criteria provided, single submitter. Criteria: ACMG Guidelines, 2015. Collection method: clinical testing. Allele origin: germline. Inheritance: Autosomal dominant inheritance. Observed: 1 variant allele, 1 heterozygote. Not counted in ClinVar's aggregate classification.
Comment: The c.5179A>T (p.Lys1727*) variant of the BRCA1 gene creates an early stop codon. It is expected to result in an absent or disrupted protein product. This variant has been reported in multiple individuals with breast cancer, ovarian cancer and uterine cancer (PMID: 7493024, 10699917, 11802209, 16287141). This variant has not been identified in the general population by the Genome Aggregation Database (gnomAD). Truncating variants in BRCA1 are known to be pathogenic (PMID: 21989022, 17661172, 22762150). Therefore, the c.5179A>T (p.Lys1727*) variant of the BRCA1 gene is classified as pathogenic.

This study involves interpretation of variants in research participants for the purpose of population health screening. Participant phenotype was not available at the time of variant classification. Additional details can be found in publication PMID: 35346344, PMCID: PMC8962531

GeneDx
Classification: Pathogenic. Last evaluated: 2023-06-12. Review status: criteria provided, single submitter. Criteria: GeneDx Variant Classification Process June 2021. Collection method: clinical testing. Allele origin: germline. Affected: yes. Not counted in ClinVar's aggregate classification.
Comment: Nonsense variant predicted to result in protein truncation or nonsense mediated decay in a gene for which loss of function is a known mechanism of disease; Not observed at significant frequency in large population cohorts (gnomAD); Observed in association with BRCA1-related cancers (Gayther et al., 1995; Spitzer et al., 2000; Kroiss et al., 2005; Hahnen et al., 2017; Evans et al., 2022); Truncating variants in this gene are considered pathogenic by a well-established clinical consortium and/or database; Also known as 5298A>T; This variant is associated with the following publications: (PMID: 11802209, 29446198, 27756336, 10699917, 7493024, 16287141, 28715532, 27150160, 30787465, 30209399, 33758026)

Revvity Omics, Revvity
Classification: Pathogenic. Last evaluated: 2022-08-19. Review status: criteria provided, single submitter. Criteria: ACMG Guidelines, 2015. Collection method: clinical testing. Allele origin: germline. Not counted in ClinVar's aggregate classification.

Quest Diagnostics Nichols Institute San Juan Capistrano
Classification: Pathogenic. Last evaluated: 2021-08-27. Review status: criteria provided, single submitter. Criteria: Quest Diagnostics criteria. Collection method: clinical testing. Allele origin: unknown. Not counted in ClinVar's aggregate classification.
Comment: This nonsense variant causes the premature termination of BRCA1 protein synthesis. In the published literature, the variant has been reported in multiple individuals and families with hereditary breast and/or ovarian cancer (PMID: 29446198 (2018), 16287141 (2005), 11802209 (2002), 10699917 (2000), 7493024 (1995)). Based on the available information, this variant is classified as pathogenic.

Sema4
Classification: Pathogenic for Hereditary cancer-predisposing syndrome. Last evaluated: 2021-07-08. Review status: criteria provided, single submitter. Criteria: Sema4 Curation Guidelines. Collection method: curation. Allele origin: germline. Not counted in ClinVar's aggregate classification.
Comment: The BRCA1 c.5179A>T (p.K1727X) variant has been reported in heterozygosity in >20 individuals with breast and/or ovarian cancer (PMID: 29446198, 7493024, 11802209, 33471991, among others). Functional studies have shown that this variant results in loss of function of the BRCA1 protein (PMID: 30209399). It is also known as 5298A>T in the literature. This nonsense variant creates a premature stop codon at residue 1727 of the BRCA1 protein. Loss of function variants in BRCA1 or BRCA2 are known to be pathogenic (PMID: 29446198). This variant is not reported in the population database Genome Aggregation Database (PMID: 32461654). This variant has been reported in ClinVar (Variation ID: 37645). Based on the current evidence available, this variant is interpreted as pathogenic.

Mayo Clinic Laboratories, Mayo Clinic
Classification: Pathogenic. Last evaluated: 2020-12-07. Review status: criteria provided, single submitter. Criteria: ACMG Guidelines, 2015. Collection method: clinical testing. Allele origin: germline. Observed: 1 variant allele. Not counted in ClinVar's aggregate classification.
Comment: PVS1, PM2, PP5

NM_007294.4(BRCA1):c.5179A>T (p.Lys1727Ter)

Gene: BRCA1 (BRCA1 DNA repair associated; minus strand). Cytogenetic location: 17q21.31.
Variant type: single nucleotide variant.
Coding change: c.5179A>T on transcript NM_007294.4 (MANE Select); coding-DNA position 5179, A replaced by T.
Protein change: p.Lys1727Ter; replaces lysine 1727 with a stop codon.
Molecular consequence: nonsense. On other transcripts: non-coding transcript variant (1).
Genome position (GRCh38, 1-based): chr17:43,063,347, T>A on the plus strand (A>T on the coding strand, the complement: BRCA1 is on the minus strand). VCF-style: chr17-43063347-T-A. GRCh37 (hg19) VCF-style: chr17-41215364-T-A.
Other names: 5298A>T; c.4843A>T, p.Lys1615Ter (NM_001407952.1, NM_001407953.1, NM_001407954.1 and 3 more transcripts); c.4840A>T, p.Lys1614Ter (NM_001407956.1, NM_001407957.1, NM_001407958.1); c.4798A>T, p.Lys1600Ter (NM_001407959.1); c.4795A>T, p.Lys1599Ter (NM_001407960.1, NM_001407962.1); c.4792A>T, p.Lys1598Ter (NM_001407963.1); c.4717A>T, p.Lys1573Ter (NM_001407964.1); c.4672A>T, p.Lys1558Ter (NM_001407965.1); and 73 more; short protein forms K1727*, K1748*, K1680*, K623*, K1599*, K1679*, K1722*, K1747*.
Identifiers: ClinVar variation 37645 (VCV000037645.34), dbSNP rs80357347, ClinGen allele CA003327.